The following is an entry in ClinVar:

NM_032119.4(ADGRV1):c.3366T>C (p.Ser1122=)

Gene: ADGRV1 (adhesion G protein-coupled receptor V1; plus strand). Cytogenetic location: 5q14.3.
Variant type: single nucleotide variant.
Coding change: c.3366T>C on transcript NM_032119.4 (MANE Select); coding-DNA position 3366, T replaced by C.
Protein change: p.Ser1122=; no amino-acid change (serine 1122 retained).
Molecular consequence: synonymous variant. On other transcripts: non-coding transcript variant (1).
Genome position (GRCh38, 1-based): chr5:90,651,680, T>C. VCF-style: chr5-90651680-T-C. GRCh37 (hg19) VCF-style: chr5-89947497-T-C.
Other names: c.3366T>C (NM_032119.3).
Identifiers: ClinVar variation 1964964 (VCV001964964.6), dbSNP rs1043142818, ClinGen allele CA121837683.

ClinVar aggregate classification (germline): Likely benign. Review status: criteria provided, multiple submitters, no conflicts (2 of 4 stars). 2 submissions from 2 submitters: Likely benign (2). Last evaluated 2026-08-04.

Conditions:
ADGRV1-related disorder. Also called: ADGRV1-related condition; ADGRV1-related disorders.

Allele frequency attached by ClinVar (database versions not stated): gnomAD 0.00001; gnomAD exomes 0.00001; TOPMed 0.00001.
gnomAD v4.1: 16 of 1,612,840 alleles (0.00099%); highest among the groups gnomAD compares: African/African-American, 0.0013%; no homozygotes.

Submissions (2):

PreventionGenetics, part of Exact Sciences
Classification: Likely benign for ADGRV1-related condition. Last evaluated: 2026-08-04. Review status: criteria provided, single submitter. Criteria: ACMG Guidelines, 2015. Collection method: clinical testing. Allele origin: germline.
Comment: This variant is classified as likely benign based on ACMG/AMP sequence variant interpretation guidelines (Richards et al. 2015 PMID: 25741868, with internal and published modifications).

Labcorp Genetics (formerly Invitae), Labcorp
Classification: Likely benign. Last evaluated: 2024-02-19. Review status: criteria provided, single submitter. Criteria: Invitae Variant Classification Sherloc (09022015). Collection method: clinical testing. Allele origin: germline.